The following is an entry in ClinVar:

ClinVar aggregate classification (germline): Likely pathogenic (1 of 4 stars; one submission).

Submission:

Labcorp Genetics (formerly Invitae), Labcorp
Classification: Likely pathogenic. Last evaluated: 2021-03-11. Review status: criteria provided, single submitter. Criteria: Invitae Variant Classification Sherloc (09022015). Collection method: clinical testing. Allele origin: germline.
Comment: This variant has not been reported in the literature in individuals with LAMA3-related conditions. Algorithms developed to predict the effect of sequence changes on RNA splicing suggest that this variant may disrupt the consensus splice site, but this prediction has not been confirmed by published transcriptional studies. In summary, the currently available evidence indicates that the variant is pathogenic, but additional data are needed to prove that conclusively. Therefore, this variant has been classified as Likely Pathogenic. The frequency data for this variant in the population databases is not available, as this variant may be reported as separate entries in the ExAC database. This sequence change affects a donor splice site in intron 5 of the LAMA3 gene. It is expected to disrupt RNA splicing. Variants that disrupt the donor or acceptor splice site typically lead to a loss of protein function (PMID: 16199547), and loss-of-function variants in LAMA3 are known to be pathogenic (PMID: 10366601, 11810295, 12915477, 16473856, 17362460, 23869449, 28087116).

Literature cited by the submitters: PubMed 16199547; PubMed 10366601; PubMed 11810295; PubMed 12915477; PubMed 16473856; PubMed 17362460; PubMed 23869449; PubMed 28087116.

NM_198129.4(LAMA3):c.5410_5410+1delinsAT

Gene: LAMA3 (laminin subunit alpha 3; plus strand). Cytogenetic location: 18q11.2.
Variant type: Indel.
Coding change: c.5410_5410+1delinsAT on transcript NM_198129.4 (MANE Select); coding-DNA position 5410 through the canonical splice donor site of the intron after coding-DNA position 5410, GG replaced by AT.
Molecular consequence: splice donor variant.
Genome position (GRCh38, 1-based): chr18:23,890,117-23,890,118, GG replaced by AT. VCF-style: chr18-23890117-GG-AT. GRCh37 (hg19) VCF-style: chr18-21470081-GG-AT.
Other names: c.5410_5410+1delinsAT (NM_001127717.4); c.583_583+1delinsAT (NM_000227.6, NM_001127718.4).
Identifiers: ClinVar variation 1489709 (VCV001489709.6), dbSNP rs2145011788, ClinGen allele CA2573155128.